The following is an entry in ClinVar:

NM_001429.4(EP300):c.3031G>A (p.Glu1011Lys)

Genes: EP300 (EP300 lysine acetyltransferase; plus strand), LOC126863158 (BRD4-independent group 4 enhancer GRCh37_chr22:41547383-41548582; plus strand). Cytogenetic location: 22q13.2.
Variant type: single nucleotide variant.
Coding change: c.3031G>A on transcript NM_001429.4 (MANE Select); coding-DNA position 3031, G replaced by A.
Protein change: p.Glu1011Lys; replaces glutamic acid 1011 with lysine.
Molecular consequence: missense variant.
Genome position (GRCh38, 1-based): chr22:41,152,239, G>A. VCF-style: chr22-41152239-G-A. GRCh37 (hg19) VCF-style: chr22-41548243-G-A.
Other names: c.2953G>A, p.Glu985Lys (NM_001362843.2); short protein forms E1011K, E985K.
Identifiers: ClinVar variation 3352249 (VCV003352249.3).

ClinVar aggregate classification (germline): Likely benign. Review status: criteria provided, multiple submitters, no conflicts (2 of 4 stars). 3 submissions from 3 submitters: Likely benign (2). 1 of the submissions does not count toward it. Last evaluated 2026-05-29.

Conditions:
Inborn genetic diseases. Identifiers: MedGen C0950123, MeSH D030342.
Rubinstein-Taybi syndrome due to EP300 haploinsufficiency. Also called: EP300-Related Rubinstein-Taybi Syndrome; RUBINSTEIN-TAYBI SYNDROME 2. Identifiers: Orphanet 353284, Orphanet 783, MedGen C3150941, MONDO:0013364, OMIM 613684.
EP300-related disorder. Also called: EP300-related condition; EP300-related disorders.

gnomAD v4.1: 69 of 1,613,906 alleles (0.0043%); highest among the groups gnomAD compares: South Asian, 0.013%; no homozygotes.

Submissions (3):

Ambry Genetics
Classification: Likely benign for Inborn genetic diseases. Last evaluated: 2026-05-29. Review status: criteria provided, single submitter. Criteria: Ambry Variant Classification Scheme 2023. Collection method: clinical testing. Allele origin: germline.

Labcorp Genetics (formerly Invitae), Labcorp
Classification: Likely benign for Rubinstein-Taybi syndrome due to EP300 haploinsufficiency. Last evaluated: 2025-09-07. Review status: criteria provided, single submitter. Criteria: Invitae Variant Classification Sherloc (09022015). Collection method: clinical testing. Allele origin: germline.

PreventionGenetics, part of Exact Sciences
Classification: Uncertain significance for EP300-related condition. Last evaluated: 2024-08-21. Review status: no assertion criteria provided. Collection method: clinical testing. Allele origin: germline. Not counted in ClinVar's aggregate classification.
Comment: The EP300 c.3031G>A variant is predicted to result in the amino acid substitution p.Glu1011Lys. To our knowledge, this variant has not been reported in the literature. This variant is reported in 0.0053% of alleles in individuals of European (Non-Finnish) descent in gnomAD. At this time, the clinical significance of this variant is uncertain due to the absence of conclusive functional and genetic evidence.